The following is an entry in ClinVar:

NM_017617.5(NOTCH1):c.3866A>G (p.Asn1289Ser)

Gene: NOTCH1 (notch receptor 1; minus strand). Cytogenetic location: 9q34.3.
Variant type: single nucleotide variant.
Coding change: c.3866A>G on transcript NM_017617.5 (MANE Select); coding-DNA position 3866, A replaced by G.
Protein change: p.Asn1289Ser; replaces asparagine 1289 with serine.
Molecular consequence: missense variant.
Genome position (GRCh38, 1-based): chr9:136,506,751, T>C on the plus strand (A>G on the coding strand, the complement: NOTCH1 is on the minus strand). VCF-style: chr9-136506751-T-C. GRCh37 (hg19) VCF-style: chr9-139401203-T-C.
Other names: short protein forms N1289S.
Identifiers: ClinVar variation 1040810 (VCV001040810.8), dbSNP rs1281437674, ClinGen allele CA375549017.

ClinVar aggregate classification (germline): Uncertain significance (1 of 4 stars; one submission).

Conditions:
Adams-Oliver syndrome 5 (AOS5). Identifiers: Orphanet 974, MedGen C4014970, MONDO:0014459, OMIM 616028.

Allele frequency attached by ClinVar (database versions not stated): gnomAD exomes below 0.00001; gnomAD 0.00001; TOPMed 0.00001.
gnomAD v4.1: 5 of 1,604,230 alleles (0.00031%); highest among the groups gnomAD compares: East Asian, 0.0023%; no homozygotes.

Submission:

Labcorp Genetics (formerly Invitae), Labcorp
Classification: Uncertain significance for Adams-Oliver syndrome 5. Last evaluated: 2025-10-19. Review status: criteria provided, single submitter. Criteria: Invitae Variant Classification Sherloc (09022015). Collection method: clinical testing. Allele origin: germline.
Comment: This sequence change replaces asparagine, which is neutral and polar, with serine, which is neutral and polar, at codon 1289 of the NOTCH1 protein (p.Asn1289Ser). This variant is not present in population databases (gnomAD no frequency). This variant has not been reported in the literature in individuals affected with NOTCH1-related conditions. ClinVar contains an entry for this variant (Variation ID: 1040810). Invitae Evidence Modeling of protein sequence and biophysical properties (such as structural, functional, and spatial information, amino acid conservation, physicochemical variation, residue mobility, and thermodynamic stability) indicates that this missense variant is not expected to disrupt NOTCH1 protein function with a negative predictive value of 80%. In summary, the available evidence is currently insufficient to determine the role of this variant in disease. Therefore, it has been classified as a Variant of Uncertain Significance.